The following is an entry in ClinVar:

ClinVar aggregate classification (germline): Uncertain significance (1 of 4 stars; one submission).

Conditions:
Baller-Gerold syndrome (BGS). Also called: CRANIOSYNOSTOSIS WITH RADIAL DEFECTS. Identifiers: Orphanet 1225, MedGen C0265308, MONDO:0009039, OMIM 218600.

Submission:

Labcorp Genetics (formerly Invitae), Labcorp
Classification: Uncertain significance for Baller-Gerold syndrome. Last evaluated: 2021-11-13. Review status: criteria provided, single submitter. Criteria: Invitae Variant Classification Sherloc (09022015). Collection method: clinical testing. Allele origin: germline.
Comment: This variant, c.3145_3150del, results in the deletion of 2 amino acid(s) of the RECQL4 protein (p.Asp1049_Gln1050del), but otherwise preserves the integrity of the reading frame. In summary, the available evidence is currently insufficient to determine the role of this variant in disease. Therefore, it has been classified as a Variant of Uncertain Significance. Experimental studies and prediction algorithms are not available or were not evaluated, and the functional significance of this variant is currently unknown. This variant has not been reported in the literature in individuals affected with RECQL4-related conditions. This variant is not present in population databases (gnomAD no frequency).

NM_004260.4(RECQL4):c.3145_3150del (p.Asp1049_Gln1050del)

Gene: RECQL4 (RecQ like helicase 4; minus strand). Cytogenetic location: 8q24.3.
Variant type: Deletion.
Coding change: c.3145_3150del on transcript NM_004260.4 (MANE Select); coding-DNA positions 3145 to 3150, 6 bases deleted (GACCAG; older notation c.3145_3150delGACCAG).
Protein change: p.Asp1049_Gln1050del.
Molecular consequence: inframe deletion.
Genome position (GRCh38, 1-based): chr8:144,512,230-144,512,235, CTGGTC deleted on the plus strand (GACCAG on the coding strand, the reverse complement: RECQL4 is on the minus strand); deleting any 6 consecutive bases within chr8:144,512,230-144,512,237 gives the same sequence; the c. name uses the placement nearest the transcript's 3' end. VCF-style (leftmost placement, unchanged base first): chr8-144512229-TCTGGTC-T. GRCh37 (hg19) VCF-style: chr8-145737612-TCTGGTC-T.
Identifiers: ClinVar variation 1436822 (VCV001436822.6), dbSNP rs2130659055, ClinGen allele CA2573143057.